The following is an entry in ClinVar:

NM_003001.5(SDHC):c.11T>A (p.Leu4Gln)

Gene: SDHC (succinate dehydrogenase complex subunit C; plus strand). Cytogenetic location: 1q23.3.
Variant type: single nucleotide variant.
Coding change: c.11T>A on transcript NM_003001.5 (MANE Select); coding-DNA position 11, T replaced by A.
Protein change: p.Leu4Gln; replaces leucine 4 with glutamine.
Molecular consequence: missense variant.
Genome position (GRCh38, 1-based): chr1:161,314,416, T>A. VCF-style: chr1-161314416-T-A. GRCh37 (hg19) VCF-style: chr1-161284206-T-A.
Other names: c.11T>A, p.Leu4Gln (NM_001035511.3, NM_001035512.3, NM_001035513.3 and 6 more transcripts); c.-550T>A (NM_001407119.1); c.-219T>A (NM_001407120.1); short protein forms L4Q.
Identifiers: ClinVar variation 1715971 (VCV001715971.6), dbSNP rs774299337, ClinGen allele CA343354963.

ClinVar aggregate classification (germline): Uncertain significance (1 of 4 stars; one submission).

Conditions:
Pheochromocytoma/paraganglioma syndrome 3. Also called: GLOMUS TUMORS, FAMILIAL, 3; SDHC-Related Hereditary Paraganglioma-Pheochromocytoma Syndrome; SDHC-Related Hereditary Paraganglioma-Pheochromocytoma Syndrome (Paragangliomas 3); Paragangliomas 3. Identifiers: Orphanet 29072, MedGen C1854336, MONDO:0011544, OMIM 605373.
Gastrointestinal stromal tumor. Also called: Gastrointestinal stroma tumor; Gastrointestinal stromal tumor, somatic. Identifiers: Orphanet 44890, MedGen C0238198, MeSH D046152, MONDO:0011719, OMIM 606764, HP:0100723.

Submission:

Labcorp Genetics (formerly Invitae), Labcorp
Classification: Uncertain significance for Pheochromocytoma/paraganglioma syndrome 3; Gastrointestinal stromal tumor. Last evaluated: 2022-08-09. Review status: criteria provided, single submitter. Criteria: Invitae Variant Classification Sherloc (09022015). Collection method: clinical testing. Allele origin: germline.
Comment: This variant is not present in population databases (gnomAD no frequency). This sequence change replaces leucine, which is neutral and non-polar, with glutamine, which is neutral and polar, at codon 4 of the SDHC protein (p.Leu4Gln). This variant has not been reported in the literature in individuals affected with SDHC-related conditions. Algorithms developed to predict the effect of missense changes on protein structure and function are either unavailable or do not agree on the potential impact of this missense change (SIFT: "Deleterious"; PolyPhen-2: "Possibly Damaging"; Align-GVGD: "Class C0"). In summary, the available evidence is currently insufficient to determine the role of this variant in disease. Therefore, it has been classified as a Variant of Uncertain Significance.